The following is an entry in ClinVar:

ClinVar aggregate classification (germline): Uncertain significance. Review status: criteria provided, multiple submitters, no conflicts (2 of 4 stars). 2 submissions from 2 submitters: Uncertain significance (2). Last evaluated 2024-07-17.

Conditions:
Alzheimer disease. Also called: Presenile and senile dementia; Alzheimer's disease. Identifiers: Orphanet 1020, MedGen C0002395, MeSH D000544, MONDO:0004975, HP:0002511.
Inborn genetic diseases. Identifiers: MedGen C0950123, MeSH D030342.

Allele frequency attached by ClinVar (database versions not stated): gnomAD 0.00001.

Submissions (2):

Ambry Genetics
Classification: Uncertain significance for Inborn genetic diseases. Last evaluated: 2024-07-17. Review status: criteria provided, single submitter. Criteria: Ambry Variant Classification Scheme 2023. Collection method: clinical testing. Allele origin: germline.
Comment: The c.781C>T (p.P261S) alteration is located in exon 6 (coding exon 6) of the APP gene. This alteration results from a C to T substitution at nucleotide position 781, causing the proline (P) at amino acid position 261 to be replaced by a serine (S). This variant was not reported in population-based cohorts in the Genome Aggregation Database (gnomAD). This amino acid position is highly conserved in available vertebrate species. The in silico prediction for this alteration is inconclusive. Based on insufficient or conflicting evidence, the clinical significance of this alteration remains unclear.

Labcorp Genetics (formerly Invitae), Labcorp
Classification: Uncertain significance for Alzheimer disease. Last evaluated: 2023-02-24. Review status: criteria provided, single submitter. Criteria: Invitae Variant Classification Sherloc (09022015). Collection method: clinical testing. Allele origin: germline.
Comment: In summary, the available evidence is currently insufficient to determine the role of this variant in disease. Therefore, it has been classified as a Variant of Uncertain Significance. Advanced modeling of protein sequence and biophysical properties (such as structural, functional, and spatial information, amino acid conservation, physicochemical variation, residue mobility, and thermodynamic stability) performed at Invitae indicates that this missense variant is not expected to disrupt APP protein function. This variant has not been reported in the literature in individuals affected with APP-related conditions. This variant is present in population databases (rs201732035, gnomAD 0.007%). This sequence change replaces proline, which is neutral and non-polar, with serine, which is neutral and polar, at codon 261 of the APP protein (p.Pro261Ser).

NM_000484.4(APP):c.781C>T (p.Pro261Ser)

Gene: APP (amyloid beta precursor protein; minus strand). Cytogenetic location: 21q21.3.
Variant type: single nucleotide variant.
Coding change: c.781C>T on transcript NM_000484.4 (MANE Select); coding-DNA position 781, C replaced by T.
Protein change: p.Pro261Ser; replaces proline 261 with serine.
Molecular consequence: missense variant.
Genome position (GRCh38, 1-based): chr21:26,021,924, G>A on the plus strand (C>T on the coding strand, the complement: APP is on the minus strand). VCF-style: chr21-26021924-G-A. GRCh37 (hg19) VCF-style: chr21-27394240-G-A.
Other names: c.781C>T (NM_000484.3); c.766C>T, p.Pro256Ser (NM_001136016.3); c.613C>T, p.Pro205Ser (NM_001136129.3, NM_001136130.3); c.676C>T, p.Pro226Ser (NM_001136131.3); c.781C>T, p.Pro261Ser (NM_001204301.2, NM_001204302.2, NM_001204303.2 and 3 more transcripts); short protein forms P261S, P205S, P226S, P256S.
Identifiers: ClinVar variation 2981605 (VCV002981605.4), dbSNP rs201732035, ClinGen allele CA319554518.